The following is an entry in ClinVar:

ClinVar aggregate classification (germline): Pathogenic/Likely pathogenic. Review status: criteria provided, multiple submitters, no conflicts (2 of 4 stars). 4 submissions from 4 submitters: Pathogenic (2); Likely pathogenic (2). Last evaluated 2024-10-24.

Conditions:
Kabuki syndrome. Also called: NIIKAWA-KUROKI SYNDROME; Kabuki make-up syndrome. Identifiers: Orphanet 2322, MedGen C0796004, MONDO:0016512.
Kabuki syndrome 1 (KABUK1). Also called: KMT2D-Related Kabuki Syndrome. Identifiers: Orphanet 2322, MedGen CN030661, MONDO:0007843, OMIM 147920.

Submissions (4):

Labcorp Genetics (formerly Invitae), Labcorp
Classification: Pathogenic for Kabuki syndrome. Last evaluated: 2024-10-24. Review status: criteria provided, single submitter. Criteria: Invitae Variant Classification Sherloc (09022015). Collection method: clinical testing. Allele origin: germline.
Comment: This sequence change creates a premature translational stop signal (p.Arg2801*) in the KMT2D gene. It is expected to result in an absent or disrupted protein product. Loss-of-function variants in KMT2D are known to be pathogenic (PMID: 22126750). This variant is not present in population databases (gnomAD no frequency). This premature translational stop signal has been observed in individual(s) with Kabuki syndrome (PMID: 23913813). ClinVar contains an entry for this variant (Variation ID: 547454). For these reasons, this variant has been classified as Pathogenic.

GeneDx
Classification: Pathogenic. Last evaluated: 2021-10-25. Review status: criteria provided, single submitter. Criteria: GeneDx Variant Classification Process June 2021. Collection method: clinical testing. Allele origin: germline. Affected: yes.
Comment: Nonsense variant predicted to result in protein truncation or nonsense mediated decay in a gene for which loss-of-function is a known mechanism of disease; Not observed at significant frequency in large population cohorts (Lek et al., 2016); This variant is associated with the following publications: (PMID: 34553842, 23913813)

Institute of Human Genetics, University of Leipzig Medical Center
Classification: Likely pathogenic for Kabuki syndrome 1. Last evaluated: 2018-06-04. Review status: criteria provided, single submitter. Criteria: ACMG Guidelines, 2015. Collection method: clinical testing. Allele origin: germline. Affected: yes. Observed: 1 variant allele.

Center for Human Genetics, Inc
Classification: Likely pathogenic for Kabuki syndrome 1. Last evaluated: 2016-11-01. Review status: criteria provided, single submitter. Criteria: ACMG Guidelines, 2015. Collection method: clinical testing. Allele origin: germline. Affected: yes.

Literature cited by the submitters: PubMed 22126750 (cited by Labcorp Genetics (formerly Invitae), Labcorp); PubMed 23913813 (cited by Labcorp Genetics (formerly Invitae), Labcorp).

NM_003482.4(KMT2D):c.8401C>T (p.Arg2801Ter)

Gene: KMT2D (lysine methyltransferase 2D; minus strand). Cytogenetic location: 12q13.12.
Variant type: single nucleotide variant.
Coding change: c.8401C>T on transcript NM_003482.4 (MANE Select); coding-DNA position 8401, C replaced by T.
Protein change: p.Arg2801Ter; replaces arginine 2801 with a stop codon.
Molecular consequence: nonsense.
Genome position (GRCh38, 1-based): chr12:49,038,955, G>A on the plus strand (C>T on the coding strand, the complement: KMT2D is on the minus strand). VCF-style: chr12-49038955-G-A. GRCh37 (hg19) VCF-style: chr12-49432738-G-A.
Other names: short protein forms R2801*.
Identifiers: ClinVar variation 547454 (VCV000547454.8), dbSNP rs1555191203, ClinGen allele CA384742399.